The following is an entry in ClinVar:

ClinVar aggregate classification (germline): Uncertain significance. Review status: criteria provided, multiple submitters, no conflicts (2 of 4 stars). 8 submissions from 7 submitters: Uncertain significance (7). 1 of the submissions does not count toward it. Last evaluated 2026-06-04.

Conditions:
CDH23-related disorder. Also called: CDH23-related condition; CDH23-related disorders.
Usher syndrome type 1D (USH1D). Also called: USHER SYNDROME, TYPE ID. Identifiers: Orphanet 231169, Orphanet 886, MedGen C1832845, MONDO:0010984, OMIM 601067.
Usher syndrome type 1 (USH1). Also called: RETINITIS PIGMENTOSA AND CONGENITAL DEAFNESS. Identifiers: Orphanet 231169, Orphanet 886, MedGen C1568247, MONDO:0010168, OMIM 276900.
Autosomal recessive nonsyndromic hearing loss 12. Also called: DEAFNESS, AUTOSOMAL RECESSIVE 12. Identifiers: Orphanet 90636, MedGen C1832394, MONDO:0011067, OMIM 601386.

Allele frequency attached by ClinVar (database versions not stated): ExAC 0.00008; gnomAD 0.00009 and 0.00011; gnomAD exomes 0.00009 and 0.00011; TOPMed 0.00015; ESP Exome Variant Server 0.00016; 1000 Genomes Project 30x 0.00078; 1000 Genomes Project 0.00080.
gnomAD v4.1: 145 of 1,607,942 alleles (0.009%); highest among the groups gnomAD compares: Admixed American, 0.042%; 1 homozygote.

Submissions (8):

PreventionGenetics, part of Exact Sciences
Classification: Uncertain significance for CDH23-related condition. Last evaluated: 2026-06-04. Review status: criteria provided, single submitter. Criteria: ACMG Guidelines, 2015. Collection method: clinical testing. Allele origin: germline.
Comment: The CDH23 c.9983G>A variant is predicted to result in the amino acid substitution p.Arg3328His. This variant was reported in heterozygous state in an individual with panuveitis (Table S2, Li et al. 2020. PubMed ID: 32707200). This variant is reported in 0.034% of alleles in individuals of Latino descent in gnomAD. At this time, the clinical significance of this variant is uncertain due to the absence of conclusive functional and genetic evidence.

Blueprint Genetics
Classification: Uncertain significance. Last evaluated: 2024-11-13. Review status: criteria provided, single submitter. Criteria: ACMG Guidelines, 2015. Collection method: clinical testing. Allele origin: germline.

Labcorp Genetics (formerly Invitae), Labcorp
Classification: Uncertain significance. Last evaluated: 2022-09-01. Review status: criteria provided, single submitter. Criteria: Invitae Variant Classification Sherloc (09022015). Collection method: clinical testing. Allele origin: germline.
Comment: This sequence change replaces arginine, which is basic and polar, with histidine, which is basic and polar, at codon 3328 of the CDH23 protein (p.Arg3328His). This variant is present in population databases (rs148475933, gnomAD 0.03%). This variant has not been reported in the literature in individuals affected with CDH23-related conditions. ClinVar contains an entry for this variant (Variation ID: 368908). Algorithms developed to predict the effect of missense changes on protein structure and function are either unavailable or do not agree on the potential impact of this missense change (SIFT: "Deleterious"; PolyPhen-2: "Not Available"; Align-GVGD: "Class C0"). In summary, the available evidence is currently insufficient to determine the role of this variant in disease. Therefore, it has been classified as a Variant of Uncertain Significance.

GeneDx
Classification: Uncertain significance. Last evaluated: 2022-06-13. Review status: criteria provided, single submitter. Criteria: GeneDx Variant Classification Process June 2021. Collection method: clinical testing. Allele origin: germline. Affected: yes.
Comment: Reported in a patient with panuveitis in published literature (Li et al., 2021); In silico analysis supports that this missense variant does not alter protein structure/function; This variant is associated with the following publications: (PMID: 32707200)

Laboratory for Molecular Medicine, Mass General Brigham Personalized Medicine
Classification: Uncertain significance. Last evaluated: 2019-06-14. Review status: criteria provided, single submitter. Criteria: LMM Criteria. Collection method: clinical testing. Allele origin: germline. Observed: 2 variant alleles.
Comment: The p.Arg3328His variant in CDH23 has not been previously reported in individuals with hearing loss or Usher syndrome, but has been identified in 0.03% (12/35206) of Latino chromosomes and 0.01% (3/30352) of South Asian chromosomes, including 1 homozygous South Asian individual, by gnomAD. Although this variant has been seen in the general population, its frequency is not high enough to rule out a pathogenic role. Computational prediction tools and conservation analysis do not provide strong support for or against an impact to the protein. In summary, the clinical significance of the p.Arg3328His variant is uncertain. ACMG/AMP Criteria applied: PM2_Supporting.

Illumina Laboratory Services, Illumina
Classification: Uncertain significance for Usher syndrome type 1D. Last evaluated: 2018-01-13. Review status: criteria provided, single submitter. Criteria: ICSL Variant Classification Criteria 13 December 2019. Collection method: clinical testing. Allele origin: germline.

Illumina Laboratory Services, Illumina
Classification: Uncertain significance for Autosomal recessive nonsyndromic hearing loss 12. Last evaluated: 2018-01-13. Review status: criteria provided, single submitter. Criteria: ICSL Variant Classification Criteria 13 December 2019. Collection method: clinical testing. Allele origin: germline.

Natera, Inc.
Classification: Uncertain significance for Usher syndrome type 1. Last evaluated: 2020-09-16. Review status: no assertion criteria provided. Collection method: clinical testing. Allele origin: germline. Not counted in ClinVar's aggregate classification.

NM_022124.6(CDH23):c.9983G>A (p.Arg3328His)

Gene: CDH23 (cadherin related 23; plus strand). Cytogenetic location: 10q22.1.
Variant type: single nucleotide variant.
Coding change: c.9983G>A on transcript NM_022124.6 (MANE Select); coding-DNA position 9983, G replaced by A.
Protein change: p.Arg3328His; replaces arginine 3328 with histidine.
Molecular consequence: missense variant.
Genome position (GRCh38, 1-based): chr10:71,815,196, G>A. VCF-style: chr10-71815196-G-A. GRCh37 (hg19) VCF-style: chr10-73574953-G-A.
Other names: c.3263G>A, p.Arg1088His (NM_001171933.1); c.3158G>A, p.Arg1053His (NM_001171934.1); c.674G>A, p.Arg225His (NM_001171935.1); c.569G>A, p.Arg190His (NM_001171936.1); short protein forms R3328H, R1088H, R1053H, R190H, R225H.
Identifiers: ClinVar variation 368908 (VCV000368908.17), dbSNP rs148475933, ClinGen allele CA5547234.